The following is an entry in ClinVar:

NM_019098.5(CNGB3):c.701_702delinsAG (p.Cys234Ter)

Gene: CNGB3 (cyclic nucleotide gated channel subunit beta 3; minus strand). Cytogenetic location: 8q21.3.
Variant type: Indel.
Coding change: c.701_702delinsAG on transcript NM_019098.5 (MANE Select); coding-DNA positions 701 to 702, GT replaced by AG.
Protein change: p.Cys234Ter; replaces cysteine 234 with a stop codon.
Molecular consequence: nonsense.
Genome position (GRCh38, 1-based): chr8:86,667,075-86,667,076, AC replaced by CT on the plus strand (GT replaced by AG on the coding strand, the reverse complement: CNGB3 is on the minus strand). VCF-style: chr8-86667075-AC-CT. GRCh37 (hg19) VCF-style: chr8-87679303-AC-CT.
Other names: c.701_702delGTinsAG (NM_019098.4); short protein forms C234*.
Identifiers: ClinVar variation 935306 (VCV000935306.9), dbSNP rs1823755123, ClinGen allele CA1139660621.

ClinVar aggregate classification (germline): Pathogenic. Review status: criteria provided, multiple submitters, no conflicts (2 of 4 stars). 3 submissions from 3 submitters: Pathogenic (3). Last evaluated 2025-07-22.

Conditions:
Achromatopsia. Also called: Rod monochromatism. Identifiers: Orphanet 49382, MedGen C0152200, MONDO:0018852, HP:0011516.
Achromatopsia 3 (ACHM3). Also called: PINGELAPESE BLINDNESS; TOTAL COLORBLINDNESS WITH MYOPIA; ROD MONOCHROMACY 1; ROD MONOCHROMATISM 1; ACHROMATOPSIA WITH MYOPIA. Identifiers: Orphanet 49382, MedGen C1849792, MONDO:0009875, OMIM 262300.

Submissions (3):

Myriad Genetics, Inc.
Classification: Pathogenic for Achromatopsia 3. Last evaluated: 2025-07-22. Review status: criteria provided, single submitter. Criteria: Myriad Autosomal Dominant, Autosomal Recessive and X-Linked Classification Criteria (2023). Collection method: clinical testing. Allele origin: unknown.
Comment: NM_019098.4(CNGB3):c.701_702delGTinsAG(C234*) is a nonsense variant classified as pathogenic in the context of achromatopsia, CNGB3-related. C234* has been observed in a case with relevant disease (PMID: 38347443). Relevant functional assessments of this variant are not available in the literature. C234* has not been observed in referenced population frequency databases. In summary, NM_019098.4(CNGB3):c.701_702delGTinsAG(C234*) is a nonsense variant in a gene where loss of function is a known mechanism of disease, is predicted to disrupt protein function, and has been observed more frequently in cases with the relevant disease than in healthy populations. Please note: this variant was assessed in the context of healthy population screening.

Natera, Inc.
Classification: Pathogenic for Achromatopsia. Last evaluated: 2025-05-14. Review status: criteria provided, single submitter. Criteria: Natera Variant Classification Schema (03/2026). Collection method: clinical testing. Allele origin: germline.
Comment: The c.701_702delGTinsAG variant in CNGB3 is a deletion-insertion (delins) variant predicted to replace one or more nucleotides with a different sequence. This variant is expected to result in nonsense mediated decay, truncation, or a dysfunctional protein product. This variant is rare in the general population with a frequency below the threshold expected for the associated phenotype(s). This variant has been observed in one or more individuals affected with the associated recessive disease, as either homozygous or compound heterozygous with a second variant (PMID: 38347443). Given the available evidence, this variant is classified as Pathogenic.

Labcorp Genetics (formerly Invitae), Labcorp
Classification: Pathogenic. Last evaluated: 2023-08-31. Review status: criteria provided, single submitter. Criteria: Invitae Variant Classification Sherloc (09022015). Collection method: clinical testing. Allele origin: germline.
Comment: ClinVar contains an entry for this variant (Variation ID: 935306). This variant has not been reported in the literature in individuals affected with CNGB3-related conditions. The frequency data for this variant in the population databases is considered unreliable, as metrics indicate poor data quality at this position in the gnomAD database. This sequence change creates a premature translational stop signal (p.Cys234*) in the CNGB3 gene. It is expected to result in an absent or disrupted protein product. Loss-of-function variants in CNGB3 are known to be pathogenic (PMID: 28795510). For these reasons, this variant has been classified as Pathogenic.

Literature cited by the submitters: PubMed 38347443 (cited by Myriad Genetics, Inc. and Natera, Inc.); PubMed 28795510 (cited by Labcorp Genetics (formerly Invitae), Labcorp).